The following is an entry in ClinVar:

NM_000548.5(TSC2):c.1610G>C (p.Arg537Pro)

Gene: TSC2 (TSC complex subunit 2; plus strand). Cytogenetic location: 16p13.3.
Variant type: single nucleotide variant.
Coding change: c.1610G>C on transcript NM_000548.5 (MANE Select); coding-DNA position 1610, G replaced by C.
Protein change: p.Arg537Pro; replaces arginine 537 with proline.
Molecular consequence: missense variant.
Genome position (GRCh38, 1-based): chr16:2,065,529, G>C. VCF-style: chr16-2065529-G-C. GRCh37 (hg19) VCF-style: chr16-2115530-G-C.
Other names: c.1610G>C, p.Arg537Pro (NM_001077183.3, NM_001114382.3, NM_001363528.2 and 3 more transcripts); c.1499G>C, p.Arg500Pro (NM_001318827.2); c.1463G>C, p.Arg488Pro (NM_001318829.2); c.1010G>C, p.Arg337Pro (NM_001318831.2); c.1643G>C, p.Arg548Pro (NM_001318832.2); short protein forms R500P, R337P, R548P, R488P, R537P.
Identifiers: ClinVar variation 944322 (VCV000944322.10), dbSNP rs372681603, ClinGen allele CA394267594.

ClinVar aggregate classification (germline): Uncertain significance. Review status: criteria provided, multiple submitters, no conflicts (2 of 4 stars). 2 submissions from 2 submitters: Uncertain significance (2). Last evaluated 2024-02-26.

Conditions:
Hereditary cancer-predisposing syndrome. Also called: Neoplastic Syndromes, Hereditary; Hereditary neoplastic syndrome; Hereditary Cancer Syndrome; Tumor predisposition. Identifiers: Orphanet 140162, MedGen C0027672, MeSH D009386, MONDO:0015356.
Tuberous sclerosis 2 (TSC2). Identifiers: Orphanet 805, MedGen C1860707, MONDO:0013199, OMIM 613254.

Submissions (2):

Ambry Genetics
Classification: Uncertain significance for Hereditary cancer-predisposing syndrome. Last evaluated: 2024-02-26. Review status: criteria provided, single submitter. Criteria: Ambry Variant Classification Scheme 2023. Collection method: clinical testing. Allele origin: germline.
Comment: The p.R537P variant (also known as c.1610G>C), located in coding exon 15 of the TSC2 gene, results from a G to C substitution at nucleotide position 1610. The arginine at codon 537 is replaced by proline, an amino acid with dissimilar properties. This amino acid position is conserved. In addition, the in silico prediction for this alteration is inconclusive. Based on the available evidence, the clinical significance of this alteration remains unclear.

Labcorp Genetics (formerly Invitae), Labcorp
Classification: Uncertain significance for Tuberous sclerosis 2. Last evaluated: 2019-04-30. Review status: criteria provided, single submitter. Criteria: Invitae Variant Classification Sherloc (09022015). Collection method: clinical testing. Allele origin: germline.
Comment: In summary, the available evidence is currently insufficient to determine the role of this variant in disease. Therefore, it has been classified as a Variant of Uncertain Significance. This sequence change replaces arginine with proline at codon 537 of the TSC2 protein (p.Arg537Pro). The arginine residue is highly conserved and there is a moderate physicochemical difference between arginine and proline. This variant is not present in population databases (ExAC no frequency). This variant has not been reported in the literature in individuals with TSC2-related conditions. Algorithms developed to predict the effect of missense changes on protein structure and function are either unavailable or do not agree on the potential impact of this missense change (SIFT: "Deleterious"; PolyPhen-2: "Benign"; Align-GVGD: "Class C25").